The following is an entry in ClinVar:

ClinVar aggregate classification (germline): Uncertain significance (1 of 4 stars; one submission).

Conditions:
Atypical hemolytic-uremic syndrome. Identifiers: Orphanet 2134, MedGen C2931788, MONDO:0016244.

gnomAD v4.1: 4 of 1,613,104 alleles (0.00025%); highest among the groups gnomAD compares: Non-Finnish European, 0.00034%; 1 homozygote.

Submission:

Genomenon, Inc
Classification: Uncertain significance for Atypical hemolytic-uremic syndrome. Last evaluated: 2025-10-02. Review status: criteria provided, single submitter. Criteria: Genomenon Sequence Variant Interpretation Standards. Collection method: curation. Allele origin: germline. Affected: yes.
Comment: CD46 p.Phe175Val (c.523T>G) is a missense variant that changes the amino acid at residue 175 from Phenylalanine to Valine. This variant has been observed in at least one proband affected with atypical hemolytic-uremic syndrome (PMID:24656451;34169201). It is absent or not present at a significant frequency in gnomAD. In silico models agree that this variant is not damaging. In conclusion, we classify CD46 p.Phe175Val (c.523T>G) as a variant of uncertain significance.

Literature cited by the submitters: PubMed 24656451; PubMed 34169201.

NM_172351.3(CD46):c.523T>G (p.Phe175Val)

Gene: CD46 (CD46 molecule; plus strand). Cytogenetic location: 1q32.2.
Variant type: single nucleotide variant.
Coding change: c.523T>G on transcript NM_172351.3 (MANE Select); coding-DNA position 523, T replaced by G.
Protein change: p.Phe175Val; replaces phenylalanine 175 with valine.
Molecular consequence: missense variant.
Genome position (GRCh38, 1-based): chr1:207,761,296, T>G. VCF-style: chr1-207761296-T-G. GRCh37 (hg19) VCF-style: chr1-207934641-T-G.
Other names: c.523T>G, p.Phe175Val (NM_002389.4, NM_153826.4, NM_172350.3 and 8 more transcripts); short protein forms F175V.
Identifiers: ClinVar variation 4291152 (VCV004291152.1).